The following is an entry in ClinVar:

ClinVar aggregate classification (germline): Likely benign (1 of 4 stars; one submission).

gnomAD v4.1: 1,321 of 1,614,098 alleles (0.082%); highest among the groups gnomAD compares: Non-Finnish European, 0.096%; 3 homozygotes.

Submissions (3):

CeGaT Center for Human Genetics Tuebingen
Classification: Likely benign. Last evaluated: 2025-05-01. Review status: criteria provided, single submitter. Criteria: CeGaT Center For Human Genetics Tuebingen Variant Classification Criteria Version 2. Collection method: clinical testing. Allele origin: germline. Affected: yes. Observed: 1 variant allele.
Comment: DUOX1: BS2

Dr. Peter K. Rogan Lab, Western University
No classification provided (evidence only). Condition: Clear cell carcinoma of kidney. Review status: no classification provided. Collection method: in vitro. Allele origin: not applicable. Functional consequence: retained intron. Not counted in ClinVar's aggregate classification.

Dr. Peter K. Rogan Lab, Western University
No classification provided (evidence only). Condition: Familial cancer of breast. Review status: no classification provided. Collection method: in vitro. Allele origin: not applicable. Functional consequence: retained intron. Not counted in ClinVar's aggregate classification.

NM_175940.3(DUOX1):c.3656G>A (p.Arg1219Gln)

Gene: DUOX1 (dual oxidase 1; plus strand). Cytogenetic location: 15q21.1.
Variant type: single nucleotide variant.
Coding change: c.3656G>A on transcript NM_175940.3 (MANE Select); coding-DNA position 3656, G replaced by A.
Protein change: p.Arg1219Gln; replaces arginine 1219 with glutamine.
Molecular consequence: missense variant.
Genome position (GRCh38, 1-based): chr15:45,155,883, G>A. VCF-style: chr15-45155883-G-A. GRCh37 (hg19) VCF-style: chr15-45448081-G-A.
Other names: NC_000015.9:g.45448081G>A; c.3656G>A, p.Arg1219Gln (NM_017434.5); short protein forms R1219Q.
Identifiers: ClinVar variation 3904918 (VCV003904918.11).